The following is an entry in ClinVar:

NM_005557.4(KRT16):c.39del (p.Ser13_Met14insTer)

Gene: KRT16 (keratin 16; minus strand). Cytogenetic location: 17q21.2.
Variant type: Deletion.
Coding change: c.39del on transcript NM_005557.4 (MANE Select); coding-DNA position 39, one base deleted (C; older notation c.39delC).
Protein change: p.Ser13_Met14insTer.
Molecular consequence: frameshift variant.
Genome position (GRCh38, 1-based): chr17:41,612,650, G deleted on the plus strand (C on the coding strand, the reverse complement: KRT16 is on the minus strand); the first of 2 consecutive G bases (chr17:41,612,650-41,612,651); deleting either gives the same sequence. VCF-style (leftmost placement, unchanged base first): chr17-41612649-TG-T. GRCh37 (hg19) VCF-style: chr17-39768901-TG-T.
Identifiers: ClinVar variation 2671710 (VCV002671710.1), dbSNP rs2508756879, ClinGen allele CA2695201325.

ClinVar aggregate classification (germline): Likely pathogenic (1 of 4 stars; one submission).

Conditions:
Palmoplantar keratoderma, nonepidermolytic, focal 1 (FNEPPK1). Identifiers: MedGen C4552049, MONDO:0013073, OMIM 613000.

Submission:

Neuberg Centre For Genomic Medicine, NCGM
Classification: Likely pathogenic for Palmoplantar keratoderma, nonepidermolytic, focal 1. Last evaluated: 2023-02-14. Review status: criteria provided, single submitter. Criteria: ACMG Guidelines, 2015. Collection method: clinical testing. Allele origin: germline. Inheritance: Autosomal dominant inheritance. Affected: yes.
Comment: The frameshift c.39del (p.Met14Ter) variant in KRT16 gene has not been reported previously as a pathogenic variant nor as a benign variant, to our knowledge. The variant is novel (not in any individuals) in gnomAD Exomes and 1000 Genomes. This variant is predicted to cause loss of normal protein function through protein truncation. Loss of function variants have been previously reported to be disease causing. Further studies are required to prove the pathogenicity of the variant. For these reasons, this variant has been classified as Likely Pathogenic.